The following is an entry in ClinVar:

ClinVar aggregate classification (germline): Uncertain significance (1 of 4 stars; one submission).

gnomAD v4.1: 2 of 1,563,440 alleles (0.00013%); highest among the groups gnomAD compares: Non-Finnish European, 0.00017%; no homozygotes.

Submission:

GeneDx
Classification: Uncertain significance. Last evaluated: 2026-02-10. Review status: criteria provided, single submitter. Criteria: GeneDx Variant Classification Process June 2021. Collection method: clinical testing. Allele origin: germline.
Comment: Not observed at significant frequency in large population cohorts (gnomAD); In silico analysis supports that this missense variant has a deleterious effect on protein structure/function; Has not been previously published as pathogenic or benign to our knowledge

NM_001961.4(EEF2):c.1126C>T (p.Pro376Ser)

Gene: EEF2 (eukaryotic translation elongation factor 2; minus strand). Cytogenetic location: 19p13.3.
Variant type: single nucleotide variant.
Coding change: c.1126C>T on transcript NM_001961.4 (MANE Select); coding-DNA position 1126, C replaced by T.
Protein change: p.Pro376Ser; replaces proline 376 with serine.
Molecular consequence: missense variant.
Genome position (GRCh38, 1-based): chr19:3,980,865, G>A on the plus strand (C>T on the coding strand, the complement: EEF2 is on the minus strand). VCF-style: chr19-3980865-G-A. GRCh37 (hg19) VCF-style: chr19-3980863-G-A.
Other names: short protein forms P376S.
Identifiers: ClinVar variation 4975396 (VCV004975396.1).